The following is an entry in ClinVar:

NM_015205.3(ATP11A):c.1146C>T (p.Asp382=)

Gene: ATP11A (ATPase phospholipid transporting 11A; plus strand). Cytogenetic location: 13q34.
Variant type: single nucleotide variant.
Coding change: c.1146C>T on transcript NM_015205.3 (MANE Select); coding-DNA position 1146, C replaced by T.
Protein change: p.Asp382=; no amino-acid change (aspartic acid 382 retained).
Molecular consequence: synonymous variant.
Genome position (GRCh38, 1-based): chr13:112,826,816, C>T. VCF-style: chr13-112826816-C-T. GRCh37 (hg19) VCF-style: chr13-113481130-C-T.
Other names: c.1146C>T, p.Asp382= (NM_001405661.1, NM_001405662.1, NM_001405663.1 and 1 more transcripts).
Identifiers: ClinVar variation 4980353 (VCV004980353.1).

ClinVar aggregate classification (germline): Likely benign (1 of 4 stars; one submission).

Conditions:
ATP11A-related disorder. Also called: ATP11A-related condition.

gnomAD v4.1: 189 of 1,614,018 alleles (0.012%); highest among the groups gnomAD compares: Non-Finnish European, 0.014%; no homozygotes.

Submission:

PreventionGenetics, part of Exact Sciences
Classification: Likely benign for ATP11A-related condition. Last evaluated: 2026-08-25. Review status: criteria provided, single submitter. Criteria: ACMG Guidelines, 2015. Collection method: clinical testing. Allele origin: germline.
Comment: This variant is classified as likely benign based on ACMG/AMP sequence variant interpretation guidelines (Richards et al. 2015 PMID: 25741868, with internal and published modifications).